The following is an entry in ClinVar:

ClinVar aggregate classification (germline): Uncertain significance (1 of 4 stars; one submission).

Submission:

Mayo Clinic Laboratories, Mayo Clinic
Classification: Uncertain significance. Last evaluated: 2022-09-02. Review status: criteria provided, single submitter. Criteria: ACMG Guidelines, 2015. Collection method: clinical testing. Allele origin: germline. Observed: 1 variant allele.
Comment: BP4, PM2

NM_004820.5(CYP7B1):c.1297A>G (p.Lys433Glu)

Gene: CYP7B1 (cytochrome P450 family 7 subfamily B member 1; minus strand). Cytogenetic location: 8q12.3.
Variant type: single nucleotide variant.
Coding change: c.1297A>G on transcript NM_004820.5 (MANE Select); coding-DNA position 1297, A replaced by G.
Protein change: p.Lys433Glu; replaces lysine 433 with glutamic acid.
Molecular consequence: missense variant. On other transcripts: intron variant (1).
Genome position (GRCh38, 1-based): chr8:64,596,866, T>C on the plus strand (A>G on the coding strand, the complement: CYP7B1 is on the minus strand). VCF-style: chr8-64596866-T-C. GRCh37 (hg19) VCF-style: chr8-65509423-T-C.
Other names: p.Lys433Glu; c.1234-7022A>G (NM_001324112.2); short protein forms K433E.
Identifiers: ClinVar variation 2683022 (VCV002683022.1), dbSNP rs2487153762, ClinGen allele CA371333487.
Genomic context (GRCh38, chr8:64,596,866, plus strand): 5'-ATCGGCCTGGACATTTGCTGGTTCCAGTTCCAAACGGCATTAGGTAACACTTCAGCTTTT[T>C]CCCTCTTTTGAAAAAGGTGGTTTTCTTCTTACCATCTTCTATAAAACGATCATATCTAAA-3'
Protein context (NP_004811.1, residues 423-443): KKKTTFFKRG[Lys433Glu]KLKCYLMPFG